The following is an entry in ClinVar:

ClinVar aggregate classification (germline): Uncertain significance. Review status: criteria provided, multiple submitters, no conflicts (2 of 4 stars). 3 submissions from 3 submitters: Uncertain significance (3). Last evaluated 2024-03-05.

Conditions:
Ehlers-Danlos syndrome, type 4 (EDSVASC). Also called: Ehlers-Danlos syndrome vascular type; Ehlers Danlos syndrome, ecchymotic type; Ehlers Danlos syndrome, arterial type; Ehlers Danlos syndrome, Sack-Barabas type; Ehlers-Danlos Syndrome Type IV. Identifiers: Orphanet 286, MedGen C0268338, MONDO:0017314, OMIM 130050.

Allele frequency attached by ClinVar (database versions not stated): gnomAD exomes 0.00002.
gnomAD v4.1: 30 of 1,605,172 alleles (0.0019%); highest among the groups gnomAD compares: Non-Finnish European, 0.0026%; no homozygotes.

Submissions (3):

All of Us Research Program, National Institutes of Health
Classification: Uncertain significance for Ehlers-Danlos syndrome, type 4. Last evaluated: 2024-03-05. Review status: criteria provided, single submitter. Criteria: ACMG Guidelines, 2015. Collection method: clinical testing. Allele origin: germline. Inheritance: Autosomal dominant inheritance. Observed: 4 variant alleles, 4 heterozygotes.
Comment: This missense variant replaces proline with alanine at codon 701 of the COL3A1 protein. Computational prediction suggests that this variant may not impact protein structure and function (internally defined REVEL score threshold <= 0.5, PMID: 27666373). To our knowledge, functional studies have not been reported for this variant. This variant has not been reported in individuals affected with COL3A1-related disorders in the literature. This variant has not been identified in the general population by the Genome Aggregation Database (gnomAD). The available evidence is insufficient to determine the role of this variant in disease conclusively. Therefore, this variant is classified as a Variant of Uncertain Significance.

This study involves interpretation of variants in research participants for the purpose of population health screening. Participant phenotype was not available at the time of variant classification. Additional details can be found in publication PMID: 35346344, PMCID: PMC8962531

Labcorp Genetics (formerly Invitae), Labcorp
Classification: Uncertain significance for Ehlers-Danlos syndrome, type 4. Last evaluated: 2023-03-26. Review status: criteria provided, single submitter. Criteria: Invitae Variant Classification Sherloc (09022015). Collection method: clinical testing. Allele origin: germline.
Comment: Advanced modeling of protein sequence and biophysical properties (such as structural, functional, and spatial information, amino acid conservation, physicochemical variation, residue mobility, and thermodynamic stability) performed at Invitae indicates that this missense variant is not expected to disrupt COL3A1 protein function. In summary, the available evidence is currently insufficient to determine the role of this variant in disease. Therefore, it has been classified as a Variant of Uncertain Significance. ClinVar contains an entry for this variant (Variation ID: 1516442). This missense change has been observed in individual(s) with clinical features of COL3A1-related conditions (Invitae). This variant is not present in population databases (gnomAD no frequency). This sequence change replaces proline, which is neutral and non-polar, with alanine, which is neutral and non-polar, at codon 701 of the COL3A1 protein (p.Pro701Ala).

GeneDx
Classification: Uncertain significance. Last evaluated: 2023-01-04. Review status: criteria provided, single submitter. Criteria: GeneDx Variant Classification Process June 2021. Collection method: clinical testing. Allele origin: germline. Affected: yes.
Comment: Not observed at significant frequency in large population cohorts (gnomAD); In silico analysis supports that this missense variant has a deleterious effect on protein structure/function; Has not been previously published as pathogenic or benign to our knowledge; Occurs in the triple helical domain at the Y position in the canonical Gly-X-Y repeat; although this variant may have an effect on normal protein folding and function, missense substitution at the Y position is not a common mechanism of disease (HGMD)

NM_000090.4(COL3A1):c.2101C>G (p.Pro701Ala)

Gene: COL3A1 (collagen type III alpha 1 chain; plus strand). Cytogenetic location: 2q32.2.
Variant type: single nucleotide variant.
Coding change: c.2101C>G on transcript NM_000090.4 (MANE Select); coding-DNA position 2101, C replaced by G.
Protein change: p.Pro701Ala; replaces proline 701 with alanine.
Molecular consequence: missense variant.
Genome position (GRCh38, 1-based): chr2:188,999,363, C>G. VCF-style: chr2-188999363-C-G. GRCh37 (hg19) VCF-style: chr2-189864089-C-G.
Other names: c.2101C>G (NM_000090.3); short protein forms P701A.
Identifiers: ClinVar variation 1516442 (VCV001516442.6), dbSNP rs762687549, ClinGen allele CA62554476.